The following is an entry in ClinVar:

ClinVar aggregate classification (germline): Likely benign (1 of 4 stars; one submission).

Allele frequency attached by ClinVar (database versions not stated): ExAC 0.00027; 1000 Genomes Project 30x 0.00062; TOPMed 0.00113; 1000 Genomes Project 0.00040; ESP Exome Variant Server 0.00092; gnomAD 0.00098.
gnomAD v4.1: 252 of 1,612,850 alleles (0.016%); highest among the groups gnomAD compares: African/African-American, 0.32%; no homozygotes.

Submission:

CeGaT Center for Human Genetics Tuebingen
Classification: Likely benign. Last evaluated: 2023-11-01. Review status: criteria provided, single submitter. Criteria: CeGaT Center For Human Genetics Tuebingen Variant Classification Criteria Version 2. Collection method: clinical testing. Allele origin: germline. Affected: yes. Observed: 1 variant allele.
Comment: ANKRD28: BP4, BP7

NM_001349278.2(ANKRD28):c.2605T>C (p.Leu869=)

Genes: ANKRD28 (ankyrin repeat domain 28; minus strand), BTD (biotinidase; plus strand). Cytogenetic location: 3p25.1.
Variant type: single nucleotide variant.
Coding change: c.2605T>C on transcript NM_001349278.2 (MANE Select); coding-DNA position 2605, T replaced by C.
Protein change: p.Leu869=; no amino-acid change (leucine 869 retained).
Molecular consequence: synonymous variant. On other transcripts: non-coding transcript variant (2), intron variant (4).
Genome position (GRCh38, 1-based): chr3:15,678,311, A>G on the plus strand (T>C on the coding strand, the complement: ANKRD28 is on the minus strand). VCF-style: chr3-15678311-A-G. GRCh37 (hg19) VCF-style: chr3-15719818-A-G.
Other names: c.2053T>C, p.Leu685= (NM_001195098.1, NM_001195099.2, NM_001349283.2); c.2614T>C, p.Leu872= (NM_001349277.2); c.2506T>C, p.Leu836= (NM_001349279.2); c.2347T>C, p.Leu783= (NM_001349280.1, NM_001349281.2, NM_001349282.2); c.2515T>C, p.Leu839= (NM_015199.4); c.1015+33380A>G (NM_001370752.1, NM_001407379.1); c.400-32088A>G (NM_001370753.1); c.400-10000A>G (NM_001407400.1).
Identifiers: ClinVar variation 2672933 (VCV002672933.21), dbSNP rs369691636, ClinGen allele CA2277680.